The following is an entry in ClinVar:

NM_001148.6(ANK2):c.5581G>A (p.Ala1861Thr)

Genes: ANK2 (ankyrin 2; plus strand), LOC126807136 (MED14-independent group 3 enhancer GRCh37_chr4:114274931-114276130; plus strand). Cytogenetic location: 4q26.
Variant type: single nucleotide variant.
Coding change: c.5581G>A on transcript NM_001148.6 (MANE Select); coding-DNA position 5581, G replaced by A.
Protein change: p.Ala1861Thr; replaces alanine 1861 with threonine.
Molecular consequence: missense variant. On other transcripts: intron variant (68).
Genome position (GRCh38, 1-based): chr4:113,354,199, G>A. VCF-style: chr4-113354199-G-A. GRCh37 (hg19) VCF-style: chr4-114275355-G-A.
Other names: c.5347G>A, p.Ala1783Thr (NM_001386142.1); c.1981G>A, p.Ala661Thr (NM_001386166.1); c.5722G>A, p.Ala1908Thr (NM_001386174.1); c.5698G>A, p.Ala1900Thr (NM_001386175.1); c.4411+3950G>A (NM_001386186.2, NM_001386148.2); c.4213+3950G>A (NM_001354269.3); c.4291+3950G>A (NM_001386187.2); c.4252+3950G>A (NM_001386147.1); and 35 more; short protein forms A1783T, A1908T, A1861T, A661T, A1900T.
Identifiers: ClinVar variation 1403797 (VCV001403797.8), dbSNP rs2095594880, ClinGen allele CA357920304.
Genomic context (GRCh38, chr4:113,354,199, plus strand): 5'-AGGCACCCTCCAGTATCACCATCAAGTAAAACTGAGAAACACTCACCTGTGTCACCCTCT[G>A]CAAAAACGGAAAGACATTCACCTGCGTCATCATCGAGTAAAACTGAGAAACACTCACCTG-3'
Protein context (NP_001139.3, residues 1851-1871): TEKHSPVSPS[Ala1861Thr]KTERHSPASS

ClinVar aggregate classification (germline): Uncertain significance (1 of 4 stars; one submission).

Conditions:
Long QT syndrome (LQTS). Identifiers: MedGen C0023976, MeSH D008133, MONDO:0002442. Disease mechanism: loss of function. Inheritance: Various modes of inheritance.

Allele frequency attached by ClinVar (database versions not stated): gnomAD exomes below 0.00001.
gnomAD v4.1: 1 of 1,613,954 alleles (0.000062%); highest among the groups gnomAD compares: Non-Finnish European, 0.000085%; no homozygotes.

Submission:

Labcorp Genetics (formerly Invitae), Labcorp
Classification: Uncertain significance for Long QT syndrome. Last evaluated: 2021-01-16. Review status: criteria provided, single submitter. Criteria: Invitae Variant Classification Sherloc (09022015). Collection method: clinical testing. Allele origin: germline.
Comment: This variant is not present in population databases (ExAC no frequency). This variant has not been reported in the literature in individuals with ANK2-related conditions. In summary, the available evidence is currently insufficient to determine the role of this variant in disease. Therefore, it has been classified as a Variant of Uncertain Significance. Algorithms developed to predict the effect of missense changes on protein structure and function output the following: SIFT: "Tolerated"; PolyPhen-2: "Benign"; Align-GVGD: "Class C0". The threonine amino acid residue is found in multiple mammalian species, suggesting that this missense change does not adversely affect protein function. These predictions have not been confirmed by published functional studies and their clinical significance is uncertain. This sequence change replaces alanine with threonine at codon 1861 of the ANK2 protein (p.Ala1861Thr). The alanine residue is weakly conserved and there is a small physicochemical difference between alanine and threonine.